The following is an entry in ClinVar:

ClinVar aggregate classification (germline): Likely pathogenic (1 of 4 stars; one submission).

Conditions:
ALG1-congenital disorder of glycosylation. Also called: CDG Ik; ALG1-CDG; CONGENITAL DISORDER OF GLYCOSYLATION, TYPE Ik. Identifiers: Orphanet 79327, MedGen C2931005, MONDO:0012052, OMIM 608540.

Allele frequency attached by ClinVar (database versions not stated): TOPMed below 0.00001; gnomAD 0.00001.
gnomAD v4.1: 1 of 1,613,934 alleles (0.000062%); highest among the groups gnomAD compares: Non-Finnish European, 0.000085%; no homozygotes.

Submission:

Labcorp Genetics (formerly Invitae), Labcorp
Classification: Likely pathogenic for ALG1-congenital disorder of glycosylation. Last evaluated: 2022-05-08. Review status: criteria provided, single submitter. Criteria: Invitae Variant Classification Sherloc (09022015). Collection method: clinical testing. Allele origin: germline.
Comment: This variant has not been reported in the literature in individuals affected with ALG1-related conditions. This variant is not present in population databases (gnomAD no frequency). This sequence change affects an acceptor splice site in intron 3 of the ALG1 gene. It is expected to disrupt RNA splicing. Variants that disrupt the donor or acceptor splice site typically lead to a loss of protein function (PMID: 16199547), and loss-of-function variants in ALG1 are known to be pathogenic (PMID: 20679665, 23806237). In summary, the currently available evidence indicates that the variant is pathogenic, but additional data are needed to prove that conclusively. Therefore, this variant has been classified as Likely Pathogenic. Algorithms developed to predict the effect of sequence changes on RNA splicing suggest that this variant may disrupt the consensus splice site.

Literature cited by the submitters: PubMed 16199547; PubMed 20679665; PubMed 23806237.

NM_019109.5(ALG1):c.391-2A>G

Gene: ALG1 (ALG1 chitobiosyldiphosphodolichol beta-mannosyltransferase; plus strand). Cytogenetic location: 16p13.3.
Variant type: single nucleotide variant.
Coding change: c.391-2A>G on transcript NM_019109.5 (MANE Select); the canonical splice acceptor site of the intron before coding-DNA position 391, A replaced by G.
Molecular consequence: splice acceptor variant.
Genome position (GRCh38, 1-based): chr16:5,075,386, A>G. VCF-style: chr16-5075386-A-G. GRCh37 (hg19) VCF-style: chr16-5125387-A-G.
Other names: c.58-2A>G (NM_001330504.2).
Identifiers: ClinVar variation 2135401 (VCV002135401.4), dbSNP rs1342491406, ClinGen allele CA394680208.